The following is an entry in ClinVar:

ClinVar aggregate classification (germline): Uncertain significance (1 of 4 stars; one submission).

Allele frequency attached by ClinVar (database versions not stated): TOPMed below 0.00001; gnomAD 0.00003; gnomAD exomes 0.00003; ExAC 0.00004.

Submission:

Labcorp Genetics (formerly Invitae), Labcorp
Classification: Uncertain significance. Last evaluated: 2022-07-19. Review status: criteria provided, single submitter. Criteria: Invitae Variant Classification Sherloc (09022015). Collection method: clinical testing. Allele origin: germline.
Comment: This variant has not been reported in the literature in individuals affected with GPR45-related conditions. This variant is present in population databases (rs758780573, gnomAD 0.04%). This sequence change replaces alanine, which is neutral and non-polar, with valine, which is neutral and non-polar, at codon 206 of the GPR45 protein (p.Ala206Val). ClinVar contains an entry for this variant (Variation ID: 1364529). In summary, the available evidence is currently insufficient to determine the role of this variant in disease. Therefore, it has been classified as a Variant of Uncertain Significance. Algorithms developed to predict the effect of missense changes on protein structure and function output the following: SIFT: "Tolerated"; PolyPhen-2: "Benign"; Align-GVGD: "Class C0". The valine amino acid residue is found in multiple mammalian species, which suggests that this missense change does not adversely affect protein function.

NM_007227.3(GPR45):c.617C>T (p.Ala206Val)

Gene: GPR45 (G protein-coupled receptor 45; plus strand). Cytogenetic location: 2q12.1.
Variant type: single nucleotide variant.
Coding change: c.617C>T on transcript NM_007227.3 (MANE Select); coding-DNA position 617, C replaced by T.
Protein change: p.Ala206Val; replaces alanine 206 with valine.
Molecular consequence: missense variant.
Genome position (GRCh38, 1-based): chr2:105,242,475, C>T. VCF-style: chr2-105242475-C-T. GRCh37 (hg19) VCF-style: chr2-105858932-C-T.
Other names: short protein forms A206V.
Identifiers: ClinVar variation 1364529 (VCV001364529.6), dbSNP rs758780573, ClinGen allele CA1813625.